The following is an entry in ClinVar:

NM_000558.3(HBA1):c.49A>G (p.Lys17Glu)

Genes: HBA1 (hemoglobin subunit alpha 1; plus strand), LOC106804613 (hemoglobin subunit alpha 1 recombination region; plus strand). Cytogenetic location: 16p13.3.
Variant type: single nucleotide variant.
Coding change: c.49A>G on transcript NM_000558.3; coding-DNA position 49, A replaced by G.
Protein change: p.Lys17Glu; replaces lysine 17 with glutamic acid.
Molecular consequence: missense variant (on NM_000558.5).
Genome position (GRCh38, 1-based): chr16:176,765, A>G. VCF-style: chr16-176765-A-G. GRCh37 (hg19) VCF-style: chr16-226764-A-G.
Other names: K16E; Hb I-Burlington; Hb I-Philadelphia; Hb I-Skamania; Hb I-Texas; c.49A>G (NM_000558.4); c.49A>G, p.Lys17Glu (NM_000558.5); short protein forms K17E.
Identifiers: ClinVar variation 15746 (VCV000015746.19), dbSNP rs41407250, ClinGen allele CA125759.
Genomic context (GRCh38, chr16:176,765, plus strand): 5'-AGAGAACCCACCATGGTGCTGTCTCCTGCCGACAAGACCAACGTCAAGGCCGCCTGGGGT[A>G]AGGTCGGCGCGCACGCTGGCGAGTATGGTGCGGAGGCCCTGGAGAGGTGAGGCTCCCTCC-3'
Protein context (NP_000549.1, residues 7-27): DKTNVKAAWG[Lys17Glu]VGAHAGEYGA

ClinVar aggregate classification (germline): Conflicting classifications of pathogenicity. Review status: criteria provided, conflicting classifications (1 of 4 stars). 9 submissions from 5 submitters: Uncertain significance (1); Likely benign (2). 6 of the submissions do not count toward it. Last evaluated 2025-06-20.

Conditions:
HBA1-related disorder. Also called: HBA1-related condition.
HEMOGLOBIN I (PHILADELPHIA).
HEMOGLOBIN I (SKAMANIA).
HEMOGLOBIN I (TEXAS).
HEMOGLOBIN I.
HEMOGLOBIN I (BURLINGTON).

Submissions (9):

ARUP Laboratories, Molecular Genetics and Genomics, ARUP Laboratories
Classification: Likely benign. Last evaluated: 2025-06-20. Review status: criteria provided, single submitter. Criteria: ARUP Molecular Germline Variant Investigation Process 2024. Collection method: clinical testing. Allele origin: germline.
Comment: The Hb I variant (HBA1 or HBA2: c.49A>G; p.Lys17Glu, also known as Lys16Glu when numbered from the mature protein, rs41407250, HbVar ID: 19) has been reported in the literature as a stable hemoglobin variant present in normal heterozygous individuals (Arya 2009, Lin 2013, Molchanova 1994, HbVar database and references therein) and in an individual without clinical symptoms who also carried an alpha globin deletion (Liebhaber 1984). The variant is listed in ClinVar (Variation ID: 15746) and is only observed on one allele in the Genome Aggregation Database (v2.1.1), indicating it is not a common polymorphism. Computational analyses predict the variant is deleterious (REVEL: 0.732). At least one report suggests this variant may interfere with measurements of Hb A1c in diabetic individuals (Arya 2009). Considering available information, the Hb I variant is considered to be likely benign. References: Link to HbVar database: Arya V et al. Rare hemoglobin variant Hb I Philadelphia in North Indian family. Ann Hematol. 2009;88(9):927-929. PMID: 19234704. Liebhaber S et al. Hemoglobin I mutation encoded at both alpha-globin loci on the same chromosome: concerted evolution in the human genome. Science. 1984; 226(4681):1449-51. PMID: 6505702. Lin M et al. Molecular epidemiological survey of hemoglobinopathies in the Wuxi region of Jiangsu Province, eastern China. Hemoglobin. 2013;37(5):454-466. PMID: 23806067. Molchanova TP et al. The differences in quantities of alpha 2- and alpha 1-globin gene variants in heterozygotes. Br J Haematol. 1994;88(2):300-306. PMID: 7803274.

Quest Diagnostics Nichols Institute San Juan Capistrano
Classification: Uncertain significance. Last evaluated: 2024-01-30. Review status: criteria provided, single submitter. Criteria: Quest Diagnostics criteria. Collection method: clinical testing. Allele origin: unknown.
Comment: The HBA1 c.49A>G (p.Lys17Glu) variant has been reported in the published literature to have normal stability, with oxygen equilibrium and kinetic properties similar to wild type Hb A (HbVar, PMID: 4444049 (1974)). Individuals who are heterozygous for this variant have a normal clinical presentation (PMIDs: 23806067 (2013), 6085353 (1984), 740406 (1978)). Co-occurrence of this variant with a beta-thalassemia pathogenic variant presented with mild hypochromic microcytic anemia (PMID: 19234704 (2009)). The frequency of this variant in the general population, 0.000006 (1/166854 chromosomes (Genome Aggregation Database)), is uninformative in the assessment of its pathogenicity. Analysis of this variant using bioinformatics tools for the prediction of the effect of amino acid changes on protein structure and function yielded conflicting predictions that this variant is deleterious or benign. Based on the available information, we are unable to determine the clinical significance of this variant.

Women's Health and Genetics/Laboratory Corporation of America, LabCorp
Classification: Likely benign. Last evaluated: 2023-08-04. Review status: criteria provided, single submitter. Criteria: LabCorp Variant Classification Summary - May 2015. Collection method: clinical testing. Allele origin: germline.
Comment: Variant summary: HBA1 c.49A>G (p.Lys17Glu) results in a conservative amino acid change in the encoded protein sequence. Three of four in-silico tools predict a damaging effect of the variant on protein function. The variant allele was found at a frequency of 6e-06 in 166854 control chromosomes (gnomAD). The available data on variant occurrences in the general population are insufficient to allow any conclusion about variant significance. The c.49A>G variant (aka Hemoglobin I, Hb I Burlington), is a known hemoglobin variant with altered electrophoretic mobility, and was reported in several asymptomatic heterozygotes, who had no hematological abnormalities (e.g. Saito_1984, Fleming_1978, Arya_2009, Lin_2013). To our knowledge, no homozygous occurrences, or compound heterozygotes with pathogenic HBA1 (or HBA2) variants were reported. The variant was reported in combination with a pathogenic HBB variant, however this individual was only mildly anemic, with a mild hypochromia and microcytosis, which are consistent with the beta-thalassemia carrier state (Arya_2009). At least one publication reported experimental evidence evaluating an impact on protein function, and demonstrated that the oxygen equilibrium and kinetic properties of hemoglobin I were indistinguishable from those of the WT (McDonald_1974). Studies also reported that the variant might (slightly) interfere with the measurement of glycosylated hemoglobin (HbA1c) that laboratories should be aware of to avoid mismanagement of individuals carrying this variant (Arya_2009, Zechmeister_2022). The following publications have been ascertained in the context of this evaluation (PMID: 4444049, 6085353, 740406, 19234704, 23806067, 35378091, 5480848). Two submitters have provided clinical-significance assessments for this variant in ClinVar after 2014, without evidence for independent evaluation, and classified the variant as likely benign. Based on the evidence outlined above, the variant was classified as likely benign.

PreventionGenetics, part of Exact Sciences
Classification: Likely benign for HBA1-related condition. Last evaluated: 2024-09-13. Review status: no assertion criteria provided. Collection method: clinical testing. Allele origin: germline. Not counted in ClinVar's aggregate classification.
Comment: This variant is classified as likely benign based on ACMG/AMP sequence variant interpretation guidelines (Richards et al. 2015 PMID: 25741868, with internal and published modifications).

OMIM
Classification: other for HEMOGLOBIN I. Last evaluated: 2018-05-10. Review status: no assertion criteria provided. Collection method: literature only. Allele origin: germline. Not counted in ClinVar's aggregate classification.

OMIM
Classification: other for HEMOGLOBIN I (BURLINGTON). Last evaluated: 2018-05-10. Review status: no assertion criteria provided. Collection method: literature only. Allele origin: germline. Not counted in ClinVar's aggregate classification.

OMIM
Classification: other for HEMOGLOBIN I (PHILADELPHIA). Last evaluated: 2018-05-10. Review status: no assertion criteria provided. Collection method: literature only. Allele origin: germline. Not counted in ClinVar's aggregate classification.

OMIM
Classification: other for HEMOGLOBIN I (SKAMANIA). Last evaluated: 2018-05-10. Review status: no assertion criteria provided. Collection method: literature only. Allele origin: germline. Not counted in ClinVar's aggregate classification.

OMIM
Classification: other for HEMOGLOBIN I (TEXAS). Last evaluated: 2018-05-10. Review status: no assertion criteria provided. Collection method: literature only. Allele origin: germline. Not counted in ClinVar's aggregate classification.

Literature cited by the submitters: PubMed 4444049 (cited by Quest Diagnostics Nichols Institute San Juan Capistrano and Women's Health and Genetics/Laboratory Corporation of America, LabCorp); PubMed 6085353 (cited by Quest Diagnostics Nichols Institute San Juan Capistrano and Women's Health and Genetics/Laboratory Corporation of America, LabCorp); PubMed 740406 (cited by 3 submitters); PubMed 19234704 (cited by Quest Diagnostics Nichols Institute San Juan Capistrano and Women's Health and Genetics/Laboratory Corporation of America, LabCorp); PubMed 23806067 (cited by Quest Diagnostics Nichols Institute San Juan Capistrano and Women's Health and Genetics/Laboratory Corporation of America, LabCorp); PubMed 5480848 (cited by Women's Health and Genetics/Laboratory Corporation of America, LabCorp); PubMed 35378091 (cited by Women's Health and Genetics/Laboratory Corporation of America, LabCorp); Murayama, M. Chemical difference between normal human haemoglobin and haemoglobin-I. Nature 196: 276-277, 1962. (cited by OMIM); PubMed 5886214 (cited by OMIM); PubMed 5926190 (cited by OMIM); PubMed 6072501 (cited by OMIM); PubMed 13260359 (cited by OMIM); Schwartz, I. R., Atwater, J., Repplinger, E., Tocantins, L. M. Sickling of erythrocytes with I-A electrophoretic haemoglobin pattern. Fed. Proc. 16: 115, 1957. (cited by OMIM); PubMed 14405987 (cited by OMIM); PubMed 16590776 (cited by OMIM); PubMed 14490283 (cited by OMIM); PubMed 14130347 (cited by OMIM); PubMed 4956511 (cited by OMIM); PubMed 6032878 (cited by OMIM); PubMed 5713622 (cited by OMIM); PubMed 5128292 (cited by OMIM); PubMed 6505702 (cited by OMIM).